The following is an entry in ClinVar:

ClinVar aggregate classification (germline): Likely benign (1 of 4 stars; one submission).

Allele frequency attached by ClinVar (database versions not stated): TOPMed 0.00001.

Submission:

CeGaT Center for Human Genetics Tuebingen
Classification: Likely benign. Last evaluated: 2023-03-01. Review status: criteria provided, single submitter. Criteria: CeGaT Center For Human Genetics Tuebingen Variant Classification Criteria Version 2. Collection method: clinical testing. Allele origin: germline. Affected: yes. Observed: 1 variant allele.
Comment: PDE4DIP: BP4, BP7

NM_001395426.1(PDE4DIP):c.3093T>C (p.Ser1031=)

Genes: PDE4DIP (phosphodiesterase 4D interacting protein; plus strand), LOC126088083 (P300/CBP strongly-dependent group 1 enhancer GRCh37_chr1:144891435-144892634; plus strand). Cytogenetic location: 1q21.2.
Variant type: single nucleotide variant.
Coding change: c.3093T>C on transcript NM_001395426.1 (MANE Select); coding-DNA position 3093, T replaced by C.
Protein change: p.Ser1031=; no amino-acid change (serine 1031 retained).
Molecular consequence: synonymous variant.
Genome position (GRCh38, 1-based): chr1:148,991,964, T>C. VCF-style: chr1-148991964-T-C. GRCh37 (hg19) VCF-style: chr1-144892510-A-G.
Other names: c.3384T>C, p.Ser1128= (NM_001002811.3, NM_001350520.2, NM_001395297.1 and 3 more transcripts); c.2895T>C, p.Ser965= (NM_001002812.4, NM_001198834.5, NM_014644.7); c.3093T>C, p.Ser1031= (NM_001198832.4, NM_001350522.3, NM_001350523.3 and 10 more transcripts); c.3306T>C, p.Ser1102= (NM_001350521.4, NM_001377392.2, NM_001395298.1 and 3 more transcripts); c.3195T>C, p.Ser1065= (NM_001395300.1, NM_001395302.1); c.2982T>C, p.Ser994= (NM_001395313.1); c.3045T>C, p.Ser1015= (NM_001395319.1); c.2799T>C, p.Ser933= (NM_001395322.1).
Identifiers: ClinVar variation 2639071 (VCV002639071.24), dbSNP rs1553559824, ClinGen allele CA420374123.